The following is an entry in ClinVar:

NM_001429.4(EP300):c.6765C>T (p.Ala2255=)

Gene: EP300 (EP300 lysine acetyltransferase; plus strand). Cytogenetic location: 22q13.2.
Variant type: single nucleotide variant.
Coding change: c.6765C>T on transcript NM_001429.4 (MANE Select); coding-DNA position 6765, C replaced by T.
Protein change: p.Ala2255=; no amino-acid change (alanine 2255 retained).
Molecular consequence: synonymous variant.
Genome position (GRCh38, 1-based): chr22:41,178,476, C>T. VCF-style: chr22-41178476-C-T. GRCh37 (hg19) VCF-style: chr22-41574480-C-T.
Other names: c.6687C>T, p.Ala2229= (NM_001362843.2); c.6765C>T (NM_001429.3).
Identifiers: ClinVar variation 4948132 (VCV004948132.2).

ClinVar aggregate classification (germline): Likely benign. Review status: criteria provided, multiple submitters, no conflicts (2 of 4 stars). 2 submissions from 2 submitters: Likely benign (2). Last evaluated 2025-05-21.

Conditions:
EP300-related disorder. Also called: EP300-related disorders; EP300-related condition.

gnomAD v4.1: 2 of 1,614,092 alleles (0.00012%); highest among the groups gnomAD compares: Non-Finnish European, 0.00017%; no homozygotes.

Submissions (2):

PreventionGenetics, part of Exact Sciences
Classification: Likely benign for EP300-related condition. Last evaluated: 2025-05-21. Review status: criteria provided, single submitter. Criteria: ACMG Guidelines, 2015. Collection method: clinical testing. Allele origin: germline.
Comment: This variant is classified as likely benign based on ACMG/AMP sequence variant interpretation guidelines (Richards et al. 2015 PMID: 25741868, with internal and published modifications).

Blueprint Genetics
Classification: Likely benign. Last evaluated: 2019-10-26. Review status: criteria provided, single submitter. Criteria: ACMG Guidelines, 2015. Collection method: clinical testing. Allele origin: germline.